The following is an entry in ClinVar:

NM_003718.5(CDK13):c.1440_1451dup (p.Ala484_Lys485insGluAlaAlaAla)

Gene: CDK13 (cyclin dependent kinase 13; plus strand). Cytogenetic location: 7p14.1.
Variant type: Duplication.
Coding change: c.1440_1451dup on transcript NM_003718.5 (MANE Select); coding-DNA positions 1440 to 1451, 12 bases duplicated (TGAGGCTGCTGC).
Protein change: p.Ala484_Lys485insGluAlaAlaAla.
Molecular consequence: inframe indel (on NM_031267.4).
Genome position (GRCh38, 1-based): chr7:39,987,827-39,987,838, TGAGGCTGCTGC duplicated; duplicating any 12 consecutive bases within chr7:39,987,822-39,987,838 gives the same sequence; the c. name uses the placement nearest the transcript's 3' end. VCF-style (leftmost placement, unchanged base first): chr7-39987821-G-GGCTGCTGAGGCT. GRCh37 (hg19) VCF-style: chr7-40027420-G-GGCTGCTGAGGCT.
Other names: c.1440_1451dup, p.Ala484_Lys485insGluAlaAlaAla (NM_031267.4).
Identifiers: ClinVar variation 2868711 (VCV002868711.3), dbSNP rs2483753050, ClinGen allele CA2739266389.

ClinVar aggregate classification (germline): Uncertain significance (1 of 4 stars; one submission).

Submission:

Labcorp Genetics (formerly Invitae), Labcorp
Classification: Uncertain significance. Last evaluated: 2024-04-16. Review status: criteria provided, single submitter. Criteria: Invitae Variant Classification Sherloc (09022015). Collection method: clinical testing. Allele origin: germline.
Comment: This variant, c.1440_1451dup, results in the insertion of 4 amino acid(s) of the CDK13 protein (p.Glu481_Ala484dup), but otherwise preserves the integrity of the reading frame. This variant is not present in population databases (gnomAD no frequency). This variant has not been reported in the literature in individuals affected with CDK13-related conditions. Experimental studies and prediction algorithms are not available or were not evaluated, and the functional significance of this variant is currently unknown. In summary, the available evidence is currently insufficient to determine the role of this variant in disease. Therefore, it has been classified as a Variant of Uncertain Significance.